The following is an entry in ClinVar:

ClinVar aggregate classification (germline): Pathogenic (1 of 4 stars; one submission).

Conditions:
Periodontitis, aggressive. Identifiers: MedGen C0031106, MONDO:0980757.
Haim-Munk syndrome (HMS). Also called: COCHIN JEWISH DISORDER; KERATOSIS PALMOPLANTARIS WITH PERIODONTOPATHIA AND ONYCHOGRYPOSIS. Identifiers: Orphanet 2342, MedGen C1855627, MONDO:0009491, OMIM 245010.
Papillon-Lefèvre syndrome (PALS). Also called: Papillon-Lefevre Disease; KERATOSIS PALMOPLANTARIS WITH PERIODONTOPATHIA. Identifiers: Orphanet 678, MedGen C0030360, MONDO:0009490, OMIM 245000.

Submission:

Labcorp Genetics (formerly Invitae), Labcorp
Classification: Pathogenic for Haim-Munk syndrome; Periodontitis, aggressive; Papillon-Lefèvre syndrome. Last evaluated: 2025-11-25. Review status: criteria provided, single submitter. Criteria: Invitae Variant Classification Sherloc (09022015). Collection method: clinical testing. Allele origin: germline.
Comment: This sequence change creates a premature translational stop signal (p.Leu7Cysfs*52) in the CTSC gene. It is expected to result in an absent or disrupted protein product. Loss-of-function variants in CTSC are known to be pathogenic (PMID: 10662808, 11106356, 11886537). This variant is not present in population databases (gnomAD no frequency). This variant has not been reported in the literature in individuals affected with CTSC-related conditions. For these reasons, this variant has been classified as Pathogenic.

Literature cited by the submitters: PubMed 10662808; PubMed 11106356; PubMed 11886537.

NM_001814.6(CTSC):c.20_38del (p.Leu7fs)

Genes: CTSC (cathepsin C; minus strand), LOC130006572 (ATAC-STARR-seq lymphoblastoid active region 5382; plus strand). Cytogenetic location: 11q14.2.
Variant type: Deletion.
Coding change: c.20_38del on transcript NM_001814.6 (MANE Select); coding-DNA positions 20 to 38, 19 bases deleted (TGCTGCTCGCCGCCCTCCT).
Protein change: p.Leu7fs; shifts the reading frame from leucine 7.
Molecular consequence: frameshift variant.
Genome position (GRCh38, 1-based): chr11:88,337,635-88,337,653, AGGAGGGCGGCGAGCAGCA deleted on the plus strand (TGCTGCTCGCCGCCCTCCT on the coding strand, the reverse complement: CTSC is on the minus strand); deleting any 19 consecutive bases within chr11:88,337,635-88,337,661 gives the same sequence; the c. name uses the placement nearest the transcript's 3' end. VCF-style (leftmost placement, unchanged base first): chr11-88337634-CAGGAGGGCGGCGAGCAGCA-C. GRCh37 (hg19) VCF-style: chr11-88070802-CAGGAGGGCGGCGAGCAGCA-C.
Other names: c.20_38del, p.Leu7fs (NM_001114173.3, NM_148170.5); short protein forms L7fs.
Identifiers: ClinVar variation 4786630 (VCV004786630.1).